The following is an entry in ClinVar:

ClinVar aggregate classification (germline): Pathogenic (1 of 4 stars; one submission).

Submission:

Labcorp Genetics (formerly Invitae), Labcorp
Classification: Pathogenic. Last evaluated: 2023-12-10. Review status: criteria provided, single submitter. Criteria: Invitae Variant Classification Sherloc (09022015). Collection method: clinical testing. Allele origin: germline.
Comment: This sequence change creates a premature translational stop signal (p.Arg820Profs*57) in the PCNT gene. It is expected to result in an absent or disrupted protein product. Loss-of-function variants in PCNT are known to be pathogenic (PMID: 18174396, 22821869). This variant is not present in population databases (gnomAD no frequency). This variant has not been reported in the literature in individuals affected with PCNT-related conditions. For these reasons, this variant has been classified as Pathogenic.

Literature cited by the submitters: PubMed 18174396; PubMed 22821869.

NM_006031.6(PCNT):c.2456dup (p.Arg820fs)

Gene: PCNT (pericentrin; plus strand). Cytogenetic location: 21q22.3.
Variant type: Duplication.
Coding change: c.2456dup on transcript NM_006031.6 (MANE Select); coding-DNA position 2456, one base duplicated (G; older notation c.2456dupG).
Protein change: p.Arg820fs; shifts the reading frame from arginine 820.
Molecular consequence: frameshift variant.
Genome position (GRCh38, 1-based): chr21:46,363,781, G duplicated; the last of 3 consecutive G bases (chr21:46,363,779-46,363,781); duplicating any one gives the same sequence. VCF-style (leftmost placement, unchanged base first): chr21-46363778-A-AG. GRCh37 (hg19) VCF-style: chr21-47783693-A-AG.
Other names: c.2102dup, p.Arg702fs (NM_001315529.2); short protein forms R702fs, R820fs.
Identifiers: ClinVar variation 2702071 (VCV002702071.3), dbSNP rs2518224183, ClinGen allele CA2697547660.